The following is an entry in ClinVar:

NC_000016.10:g.(?_3727698)_(4802591_?)del

Genes: NMRAL1 (NmrA like redox sensor 1; minus strand), NUDT16L1 (nudix hydrolase 16 like 1; plus strand), PAM16 (presequence translocase associated motor 16; minus strand), MGRN1 (mahogunin ring finger 1; plus strand), MIR6769A (microRNA 6769a; plus strand) and 63 more. Cytogenetic location: 16p13.3.
Variant type: Deletion.
Identifiers: ClinVar variation 657383 (VCV000657383.1).

ClinVar aggregate classification (germline): Pathogenic (1 of 4 stars; one submission).

Conditions:
Rubinstein-Taybi syndrome (RSTS). Identifiers: Orphanet 783, MedGen C0035934, MONDO:0019188.

Submission:

Labcorp Genetics (formerly Invitae), Labcorp
Classification: Pathogenic for Rubinstein-Taybi syndrome. Last evaluated: 2018-08-25. Review status: criteria provided, single submitter. Criteria: Invitae Variant Classification Sherloc (09022015). Collection method: clinical testing. Allele origin: germline.
Comment: A gross deletion of the genomic region encompassing the full coding sequence of the CREBBP gene has been identified. The boundaries of this event are unknown as the deletion extends beyond the assayed region for this gene and therefore may encompass additional genes. Isolated whole-gene deletion of CREBBP has been reported to be de novo in the literature in an individual with growth retardation and other developmental abnormalities (PMID: 27257017). In addition, larger copy number events that include this gene have been reported in many individuals with Rubinstein-Taybi syndrome (PMID: 12114483, 17855048, 25805166,Â¬â€ 10602114).Â¬â€ ClinVar contains an entry for a similar variant (Variation ID: 375635). Loss-of-function variants in CREBBP are known to be pathogenic (PMID: 17052327, 18792986). For these reasons, this variant has been classified as Pathogenic.

Literature cited by the submitters: PubMed 27257017; PubMed 12114483; PubMed 25805166; PubMed 17855048.